The following is an entry in ClinVar:

ClinVar aggregate classification (germline): Benign (1 of 4 stars; one submission).

Conditions:
Prostate cancer, hereditary, 9 (HPC9). Identifiers: Orphanet 1331, MedGen C1970250, MONDO:0012597, OMIM 610997.

Submission:

Myriad Genetics, Inc.
Classification: Benign for Prostate cancer, hereditary, 9. Last evaluated: 2024-10-29. Review status: criteria provided, single submitter. Criteria: Myriad Autosomal Dominant, Autosomal Recessive and X-Linked Classification Criteria (2023). Collection method: clinical testing. Allele origin: unknown.
Comment: This variant is considered benign. This variant is a silent/synonymous amino acid change and it is not expected to impact splicing.

NM_006361.6(HOXB13):c.366_369delinsTCGT (p.Ser122_Arg123=)

Gene: HOXB13 (homeobox B13; minus strand). Cytogenetic location: 17q21.32.
Variant type: Indel.
Coding change: c.366_369delinsTCGT on transcript NM_006361.6 (MANE Select); coding-DNA positions 366 to 369, CCGC replaced by TCGT.
Protein change: p.Ser122_Arg123=.
Molecular consequence: synonymous variant.
Genome position (GRCh38, 1-based): chr17:48,728,225-48,728,228, GCGG replaced by ACGA on the plus strand (CCGC replaced by TCGT on the coding strand, the reverse complement: HOXB13 is on the minus strand). VCF-style: chr17-48728225-GCGG-ACGA. GRCh37 (hg19) VCF-style: chr17-46805587-GCGG-ACGA.
Identifiers: ClinVar variation 3773168 (VCV003773168.1).